The following is an entry in ClinVar:

ClinVar aggregate classification (germline): Uncertain significance (1 of 4 stars; one submission).

Submission:

GeneDx
Classification: Uncertain significance. Last evaluated: 2022-02-15. Review status: criteria provided, single submitter. Criteria: GeneDx Variant Classification Process June 2021. Collection method: clinical testing. Allele origin: germline. Affected: yes.
Comment: Not observed at significant frequency in large population cohorts (gnomAD); In silico analysis supports that this missense variant has a deleterious effect on protein structure/function; Has not been previously published as pathogenic or benign to our knowledge

NM_001372106.1(DNAH10):c.11321C>T (p.Ala3774Val)

Genes: DNAH10 (dynein axonemal heavy chain 10; plus strand), LOC126861667 (CDK7 strongly-dependent group 2 enhancer GRCh37_chr12:124402328-124403527; plus strand). Cytogenetic location: 12q24.31.
Variant type: single nucleotide variant.
Coding change: c.11321C>T on transcript NM_001372106.1 (MANE Select); coding-DNA position 11321, C replaced by T.
Protein change: p.Ala3774Val; replaces alanine 3774 with valine.
Molecular consequence: missense variant.
Genome position (GRCh38, 1-based): chr12:123,918,764, C>T. VCF-style: chr12-123918764-C-T. GRCh37 (hg19) VCF-style: chr12-124403311-C-T.
Other names: c.10967C>T, p.Ala3656Val (NM_207437.3); short protein forms A3656V, A3774V.
Identifiers: ClinVar variation 1700841 (VCV001700841.2), dbSNP rs938155757, ClinGen allele CA387176407.
Genomic context (GRCh38, chr12:123,918,764, plus strand): 5'-AGACAGCCTTGGACATCGACAGGCTGCGGGATGGCTACCGGCCAGCAGCCAGGAGGGGGG[C>T]CATCCTGTTCTTCGTCCTGTCTGAGATGGCCCTGGTGAACTCCATGTACCAGTACTCCCT-3'
Protein context (NP_001359035.1, residues 3764-3784): DGYRPAARRG[Ala3774Val]ILFFVLSEMA